The following is an entry in ClinVar:

ClinVar aggregate classification (germline): Likely benign (1 of 4 stars; one submission).

gnomAD v4.1: 18 of 1,568,914 alleles (0.0011%); highest among the groups gnomAD compares: African/African-American, 0.0082%; no homozygotes.

Submission:

CeGaT Center for Human Genetics Tuebingen
Classification: Likely benign. Last evaluated: 2025-09-01. Review status: criteria provided, single submitter. Criteria: CeGaT Center For Human Genetics Tuebingen Variant Classification Criteria Version 2. Collection method: clinical testing. Allele origin: germline. Affected: yes. Observed: 1 variant allele.
Comment: SDK1: BP4, BP7

NM_152744.4(SDK1):c.4587G>A (p.Ser1529=)

Gene: SDK1 (sidekick cell adhesion molecule 1; plus strand). Cytogenetic location: 7p22.2.
Variant type: single nucleotide variant.
Coding change: c.4587G>A on transcript NM_152744.4 (MANE Select); coding-DNA position 4587, G replaced by A.
Protein change: p.Ser1529=; no amino-acid change (serine 1529 retained).
Molecular consequence: synonymous variant.
Genome position (GRCh38, 1-based): chr7:4,149,425, G>A. VCF-style: chr7-4149425-G-A. GRCh37 (hg19) VCF-style: chr7-4189057-G-A.
Other names: c.48G>A, p.Ser16= (NM_001079653.2).
Identifiers: ClinVar variation 4281201 (VCV004281201.7).